The following is an entry in ClinVar:

ClinVar aggregate classification (germline): Uncertain significance. Review status: criteria provided, multiple submitters, no conflicts (2 of 4 stars). 3 submissions from 3 submitters: Uncertain significance (3). Last evaluated 2025-10-02.

Conditions:
Nuclear pulverulent cataract (CTRCT2). Identifiers: MedGen C1852438, HP:0010698.
Inborn genetic diseases. Identifiers: MedGen C0950123, MeSH D030342.

Allele frequency attached by ClinVar (database versions not stated): ExAC 0.00004; TOPMed 0.00005; gnomAD 0.00009; ESP Exome Variant Server 0.00015.
gnomAD v4.1: 120 of 1,614,112 alleles (0.0074%); highest among the groups gnomAD compares: Non-Finnish European, 0.0096%; no homozygotes.

Submissions (3):

Labcorp Genetics (formerly Invitae), Labcorp
Classification: Uncertain significance for Nuclear pulverulent cataract. Last evaluated: 2025-10-02. Review status: criteria provided, single submitter. Criteria: Invitae Variant Classification Sherloc (09022015). Collection method: clinical testing. Allele origin: germline.
Comment: This sequence change replaces glutamic acid, which is acidic and polar, with aspartic acid, which is acidic and polar, at codon 150 of the CRYGC protein (p.Glu150Asp). This variant is present in population databases (rs368875725, gnomAD 0.01%). This variant has not been reported in the literature in individuals affected with CRYGC-related conditions. ClinVar contains an entry for this variant (Variation ID: 1937357). An algorithm developed to predict the effect of missense changes on protein structure and function (PolyPhen-2) suggests that this variant is likely to be tolerated. In summary, the available evidence is currently insufficient to determine the role of this variant in disease. Therefore, it has been classified as a Variant of Uncertain Significance.

Ambry Genetics
Classification: Uncertain significance for Inborn genetic diseases. Last evaluated: 2025-08-07. Review status: criteria provided, single submitter. Criteria: Ambry Variant Classification Scheme 2023. Collection method: clinical testing. Allele origin: germline.

Blueprint Genetics
Classification: Uncertain significance. Last evaluated: 2024-09-18. Review status: criteria provided, single submitter. Criteria: ACMG Guidelines, 2015. Collection method: clinical testing. Allele origin: germline.

NM_020989.4(CRYGC):c.450G>T (p.Glu150Asp)

Genes: CRYGC (crystallin gamma C; minus strand), LOC100507443 (uncharacterized LOC100507443; plus strand). Cytogenetic location: 2q33.3.
Variant type: single nucleotide variant.
Coding change: c.450G>T on transcript NM_020989.4 (MANE Select); coding-DNA position 450, G replaced by T.
Protein change: p.Glu150Asp; replaces glutamic acid 150 with aspartic acid.
Molecular consequence: missense variant.
Genome position (GRCh38, 1-based): chr2:208,128,278, C>A on the plus strand (G>T on the coding strand, the complement: CRYGC is on the minus strand). VCF-style: chr2-208128278-C-A. GRCh37 (hg19) VCF-style: chr2-208993002-C-A.
Other names: c.450G>T (NM_020989.3); short protein forms E150D.
Identifiers: ClinVar variation 1937357 (VCV001937357.8), dbSNP rs368875725, ClinGen allele CA2077834.